The following is an entry in ClinVar:

NM_016008.4(DYNC2LI1):c.527C>T (p.Pro176Leu)

Gene: DYNC2LI1 (dynein cytoplasmic 2 light intermediate chain 1; plus strand). Cytogenetic location: 2p21.
Variant type: single nucleotide variant.
Coding change: c.527C>T on transcript NM_016008.4 (MANE Select); coding-DNA position 527, C replaced by T.
Protein change: p.Pro176Leu; replaces proline 176 with leucine.
Molecular consequence: missense variant.
Genome position (GRCh38, 1-based): chr2:43,795,909, C>T. VCF-style: chr2-43795909-C-T. GRCh37 (hg19) VCF-style: chr2-44023048-C-T.
Other names: c.530C>T, p.Pro177Leu (NM_001193464.2, NM_001348913.2); c.527C>T, p.Pro176Leu (NM_001348912.2); short protein forms P176L, P177L.
Identifiers: ClinVar variation 2126866 (VCV002126866.4), dbSNP rs1004100307, ClinGen allele CA46435193.

ClinVar aggregate classification (germline): Uncertain significance (1 of 4 stars; one submission).

Allele frequency attached by ClinVar (database versions not stated): gnomAD exomes below 0.00001.
gnomAD v4.1: 2 of 1,612,992 alleles (0.00012%); highest among the groups gnomAD compares: East Asian, 0.0022%; no homozygotes.

Submission:

Labcorp Genetics (formerly Invitae), Labcorp
Classification: Uncertain significance. Last evaluated: 2022-11-01. Review status: criteria provided, single submitter. Criteria: Invitae Variant Classification Sherloc (09022015). Collection method: clinical testing. Allele origin: germline.
Comment: This variant has not been reported in the literature in individuals affected with DYNC2LI1-related conditions. In summary, the available evidence is currently insufficient to determine the role of this variant in disease. Therefore, it has been classified as a Variant of Uncertain Significance. Algorithms developed to predict the effect of missense changes on protein structure and function (SIFT, PolyPhen-2, Align-GVGD) all suggest that this variant is likely to be disruptive. This variant is not present in population databases (gnomAD no frequency). This sequence change replaces proline, which is neutral and non-polar, with leucine, which is neutral and non-polar, at codon 176 of the DYNC2LI1 protein (p.Pro176Leu).